The following is an entry in ClinVar:

NM_001374736.1(DST):c.18568G>A (p.Glu6190Lys)

Gene: DST (dystonin; minus strand). Cytogenetic location: 6p12.1.
Variant type: single nucleotide variant.
Coding change: c.18568G>A on transcript NM_001374736.1 (MANE Select); coding-DNA position 18568, G replaced by A.
Protein change: p.Glu6190Lys; replaces glutamic acid 6190 with lysine.
Molecular consequence: missense variant.
Genome position (GRCh38, 1-based): chr6:56,515,458, C>T on the plus strand (G>A on the coding strand, the complement: DST is on the minus strand). VCF-style: chr6-56515458-C-T. GRCh37 (hg19) VCF-style: chr6-56380256-C-T.
Other names: c.12211G>A, p.Glu4071Lys (NM_001144769.5); c.11797G>A, p.Glu3933Lys (NM_001144770.2); c.18568G>A, p.Glu6190Lys (NM_001374722.1); c.17608G>A, p.Glu5870Lys (NM_001374729.1); c.11350G>A, p.Glu3784Lys (NM_001374730.1); c.18595G>A, p.Glu6199Lys (NM_001374734.1); c.10699G>A, p.Glu3567Lys (NM_015548.5); c.11677G>A, p.Glu3893Lys (NM_183380.4); short protein forms E3567K, E4071K, E6199K, E3933K, E6190K, E3893K, E5870K, E3784K.
Identifiers: ClinVar variation 970361 (VCV000970361.8), dbSNP rs754382598, ClinGen allele CA3867190.

ClinVar aggregate classification (germline): Uncertain significance (1 of 4 stars; one submission).

Conditions:
Epidermolysis bullosa simplex 3, localized or generalized intermediate, with BP230 deficiency (EBS3). Also called: Epidermolysis bullosa simplex, autosomal recessive 2; Epidermolysis bullosa simplex due to BP230 deficiency. Identifiers: Orphanet 412181, MedGen C3809470, MONDO:0014180, OMIM 615425.
Hereditary sensory and autonomic neuropathy type 6. Also called: Neuropathy, hereditary sensory and autonomic, type VI; HSAN VI. Identifiers: Orphanet 314381, MedGen C3539003, MONDO:0013839, OMIM 614653.

Allele frequency attached by ClinVar (database versions not stated): gnomAD below 0.00001 and 0.00001; gnomAD exomes below 0.00001 and 0.00001; ExAC 0.00002.
gnomAD v4.1: 8 of 1,613,732 alleles (0.0005%); highest among the groups gnomAD compares: South Asian, 0.0077%; no homozygotes.

Submission:

Labcorp Genetics (formerly Invitae), Labcorp
Classification: Uncertain significance for Epidermolysis bullosa simplex 3, localized or generalized intermediate, with BP230 deficiency; Hereditary sensory and autonomic neuropathy type 6. Last evaluated: 2019-09-27. Review status: criteria provided, single submitter. Criteria: Invitae Variant Classification Sherloc (09022015). Collection method: clinical testing. Allele origin: germline.
Comment: This variant has not been reported in the literature in individuals with DST-related conditions. This variant is present in population databases (rs754382598, ExAC 0.01%). This sequence change replaces glutamic acid with lysine at codon 3567 of the DST protein (p.Glu3567Lys). The glutamic acid residue is moderately conserved and there is a small physicochemical difference between glutamic acid and lysine. The DST gene has multiple clinically relevant transcripts. The p.Glu3567Lys variant occurs in alternate transcript NM_015548.4, which corresponds to c.*100059G>A in NM_001723.5, the primary transcript listed in the Methods. Algorithms developed to predict the effect of missense changes on protein structure and function are either unavailable or do not agree on the potential impact of this missense change (SIFT: "Tolerated"; PolyPhen-2: "Not Available"; Align-GVGD: "Class C0"). In summary, the available evidence is currently insufficient to determine the role of this variant in disease. Therefore, it has been classified as a Variant of Uncertain Significance.